The following is an entry in ClinVar:

NM_001035.3(RYR2):c.12471A>G (p.Arg4157=)

Genes: RYR2 (ryanodine receptor 2; plus strand), LOC126806068 (BRD4-independent group 4 enhancer GRCh37_chr1:237947411-237948610; plus strand). Cytogenetic location: 1q43.
Variant type: single nucleotide variant.
Coding change: c.12471A>G on transcript NM_001035.3 (MANE Select); coding-DNA position 12471, A replaced by G.
Protein change: p.Arg4157=; no amino-acid change (arginine 4157 retained).
Molecular consequence: synonymous variant.
Genome position (GRCh38, 1-based): chr1:237,784,183, A>G. VCF-style: chr1-237784183-A-G. GRCh37 (hg19) VCF-style: chr1-237947483-A-G.
Other names: c.12471A>G, p.Arg4157= (LRG_402t1).
Identifiers: ClinVar variation 532407 (VCV000532407.53), dbSNP rs751897207, ClinGen allele CA085186.
Genomic context (GRCh38, chr1:237,784,183, plus strand): 5'-AATCATGGGAAGCGCCAAACGCATCGAGAGGGTCTATTTTGAAATCAGTGAGTCCAGCCG[A>G]ACCCAGTGGGAGAAGCCCCAGGTCAAGGAGTCCAAAAGACAGTTCATATTTGACGTGGTC-3'
Protein context (NP_001026.2, residues 4147-4167): RVYFEISESS[Arg4157=]TQWEKPQVKE

ClinVar aggregate classification (germline): Likely benign. Review status: criteria provided, multiple submitters, no conflicts (2 of 4 stars). 4 submissions from 4 submitters: Likely benign (4). Last evaluated 2025-02-02.

Conditions:
Catecholaminergic polymorphic ventricular tachycardia (CVPT). Also called: Catecholamine-induced polymorphic ventricular tachycardia. Identifiers: Orphanet 3286, MedGen C5574922, MONDO:0017990.
Cardiomyopathy (CMYO). Also called: Cardiomyopathies. Identifiers: Orphanet 167848, MedGen C0878544, MONDO:0004994, HP:0001638. Inheritance: Various modes of inheritance.
Catecholaminergic polymorphic ventricular tachycardia 1. Also called: VENTRICULAR TACHYCARDIA, CATECHOLAMINERGIC POLYMORPHIC, 1, WITH OR WITHOUT ATRIAL DYSFUNCTION AND/OR DILATED CARDIOMYOPATHY; RYR2-Related Catecholaminergic Polymorphic Ventricular Tachycardia; VENTRICULAR TACHYCARDIA, STRESS-INDUCED POLYMORPHIC 1. Identifiers: Orphanet 3286, MedGen C1631597, MONDO:0011484, OMIM 604772.
Cardiovascular phenotype. Identifiers: MedGen CN230736.

Allele frequency attached by ClinVar (database versions not stated): TOPMed below 0.00001; ExAC 0.00001; gnomAD 0.00001; gnomAD exomes 0.00001.
gnomAD v4.1: 9 of 1,613,898 alleles (0.00056%); highest among the groups gnomAD compares: South Asian, 0.0044%; no homozygotes.

Submissions (4):

Labcorp Genetics (formerly Invitae), Labcorp
Classification: Likely benign for Catecholaminergic polymorphic ventricular tachycardia 1. Last evaluated: 2025-02-02. Review status: criteria provided, single submitter. Criteria: Invitae Variant Classification Sherloc (09022015). Collection method: clinical testing. Allele origin: germline.

All of Us Research Program, National Institutes of Health
Classification: Likely benign for Catecholaminergic polymorphic ventricular tachycardia. Last evaluated: 2023-03-23. Review status: criteria provided, single submitter. Criteria: ACMG Guidelines, 2015. Collection method: clinical testing. Allele origin: germline. Inheritance: Autosomal dominant inheritance. Observed: 1 variant allele, 1 heterozygote.
Comment: This study involves interpretation of variants in research participants for the purpose of population health screening. Participant phenotype was not available at the time of variant classification. Additional details can be found in publication PMID: 35346344, PMCID: PMC8962531

Ambry Genetics
Classification: Likely benign for Cardiovascular phenotype. Last evaluated: 2021-10-06. Review status: criteria provided, single submitter. Criteria: Ambry Variant Classification Scheme 2023. Collection method: clinical testing. Allele origin: germline.

Color Diagnostics, LLC DBA Color Health
Classification: Likely benign for Cardiomyopathy. Last evaluated: 2018-10-08. Review status: criteria provided, single submitter. Criteria: ACMG Guidelines, 2015. Collection method: clinical testing. Allele origin: germline.